The following is an entry in ClinVar:

NM_020987.5(ANK3):c.12227G>A (p.Arg4076Lys)

Gene: ANK3 (ankyrin 3; minus strand). Cytogenetic location: 10q21.2.
Variant type: single nucleotide variant.
Coding change: c.12227G>A on transcript NM_020987.5 (MANE Select); coding-DNA position 12227, G replaced by A.
Protein change: p.Arg4076Lys; replaces arginine 4076 with lysine.
Molecular consequence: missense variant. On other transcripts: intron variant (4).
Genome position (GRCh38, 1-based): chr10:60,068,654, C>T on the plus strand (G>A on the coding strand, the complement: ANK3 is on the minus strand). VCF-style: chr10-60068654-C-T. GRCh37 (hg19) VCF-style: chr10-61828412-C-T.
Other names: c.4388-645G>A (NM_001204403.2); c.4409-645G>A (NM_001204404.2); c.4406-645G>A (NM_001320874.2); c.1808-645G>A (NM_001149.4); short protein forms R4076K.
Identifiers: ClinVar variation 2640485 (VCV002640485.24), dbSNP rs1467174463, ClinGen allele CA376995004.

ClinVar aggregate classification (germline): Uncertain significance (1 of 4 stars; one submission).

Allele frequency attached by ClinVar (database versions not stated): gnomAD exomes below 0.00001.
gnomAD v4.1: 1 of 1,609,520 alleles (0.000062%); highest among the groups gnomAD compares: Non-Finnish European, 0.000085%; no homozygotes.

Submission:

CeGaT Center for Human Genetics Tuebingen
Classification: Uncertain significance. Last evaluated: 2022-04-01. Review status: criteria provided, single submitter. Criteria: CeGaT Center For Human Genetics Tuebingen Variant Classification Criteria Version 2. Collection method: clinical testing. Allele origin: germline. Affected: yes. Observed: 1 variant allele.
Comment: ANK3: PM2